The following is an entry in ClinVar:

NM_001042492.3(NF1):c.7246CTA[1] (p.Leu2417del)

Gene: NF1 (neurofibromin 1; plus strand). Cytogenetic location: 17q11.2.
Variant type: Microsatellite.
Coding change: c.7246CTA[1] on transcript NM_001042492.3 (MANE Select); one copy of the 3-base unit CTA starting at c.7246; the reference has two copies in a row; one copy, 3 bases deleted.
Protein change: p.Leu2417del; deletes leucine 2417.
Molecular consequence: inframe deletion. On other transcripts: inframe indel (1).
Genome position (GRCh38, 1-based): chr17:31,349,179-31,349,181, CTA deleted; deleting any 3 consecutive bases within chr17:31,349,175-31,349,181 gives the same sequence; the position shown is the placement nearest the transcript's 3' end. VCF-style (leftmost placement, unchanged base first): chr17-31349174-CACT-C. GRCh37 (hg19) VCF-style: chr17-29676192-CACT-C.
Other names: c.7186_7188del (NM_000267.3); c.7186_7188delCTA (NM_000267.3); c.7183_7185CTA[1], p.Leu2396del (NM_000267.4); short protein forms L2396del, L2417del.
Identifiers: ClinVar variation 457828 (VCV000457828.6), dbSNP rs1555536023, ClinGen allele CA658658600.

ClinVar aggregate classification (germline): Conflicting classifications of pathogenicity. Review status: criteria provided, conflicting classifications (1 of 4 stars). 2 submissions from 2 submitters: Likely pathogenic (1); Uncertain significance (1). Last evaluated 2023-03-08.

Conditions:
Neurofibromatosis, type 1 (NF1). Also called: VON RECKLINGHAUSEN DISEASE; NEUROFIBROMATOSIS, TYPE I, SOMATIC; Peripheral type neurofibromatosis; Neurofibromatosis, type I. Identifiers: Orphanet 636, MedGen C0027831, MONDO:0018975, OMIM 162200. Disease mechanism: loss of function.

Submissions (2):

GeneDx
Classification: Likely pathogenic. Last evaluated: 2023-03-08. Review status: criteria provided, single submitter. Criteria: GeneDx Variant Classification Process June 2021. Collection method: clinical testing. Allele origin: germline. Affected: yes.
Comment: In-frame deletion of 1 amino acids in a non-repeat region; Not observed at significant frequency in large population cohorts (gnomAD); In silico analysis supports a deleterious effect on protein structure/function; This variant is associated with the following publications: (PMID: 25486365, 31766501)

Labcorp Genetics (formerly Invitae), Labcorp
Classification: Uncertain significance for Neurofibromatosis, type 1. Last evaluated: 2017-01-23. Review status: criteria provided, single submitter. Criteria: Invitae Variant Classification Sherloc (09022015). Collection method: clinical testing. Allele origin: germline.
Comment: In summary, this is a novel in-frame deletion with uncertain impact on protein function. It has been classified as a Variant of Uncertain Significance. Experimental studies and prediction algorithms are not available for this variant, and the functional significance of the deleted amino acid is currently unknown. This variant is not present in population databases (ExAC no frequency) and has not been reported in the literature in individuals with a NF1-related disease. This sequence change deletes 3 nucleotides from exon 48 of the NF1 mRNA (c.7186_7188delCTA). This leads to the deletion of 1 amino acid residue(s) in the NF1 protein (p.Leu2396del) but otherwise preserves the integrity of the reading frame.